The following is an entry in ClinVar:

ClinVar aggregate classification (germline): Uncertain significance (1 of 4 stars; one submission).

Allele frequency attached by ClinVar (database versions not stated): gnomAD 0.00001; TOPMed 0.00001.
gnomAD v4.1: 2 of 1,613,568 alleles (0.00012%); highest among the groups gnomAD compares: Admixed American, 0.0017%; no homozygotes.

Submission:

Labcorp Genetics (formerly Invitae), Labcorp
Classification: Uncertain significance. Last evaluated: 2019-11-13. Review status: criteria provided, single submitter. Criteria: Invitae Variant Classification Sherloc (09022015). Collection method: clinical testing. Allele origin: germline.
Comment: This sequence change replaces glutamic acid with glycine at codon 1174 of the IMPG2 protein (p.Glu1174Gly). The glutamic acid residue is moderately conserved and there is a moderate physicochemical difference between glutamic acid and glycine. This variant is not present in population databases (ExAC no frequency). This variant has not been reported in the literature in individuals with IMPG2-related conditions. Algorithms developed to predict the effect of missense changes on protein structure and function output the following: SIFT: "Tolerated"; PolyPhen-2: "Benign"; Align-GVGD: "Class C0". The glycine amino acid residue is found in multiple mammalian species, suggesting that this missense change does not adversely affect protein function. These predictions have not been confirmed by published functional studies and their clinical significance is uncertain. In summary, the available evidence is currently insufficient to determine the role of this variant in disease. Therefore, it has been classified as a Variant of Uncertain Significance.

NM_016247.4(IMPG2):c.3521A>G (p.Glu1174Gly)

Gene: IMPG2 (interphotoreceptor matrix proteoglycan 2; minus strand). Cytogenetic location: 3q12.3.
Variant type: single nucleotide variant.
Coding change: c.3521A>G on transcript NM_016247.4 (MANE Select); coding-DNA position 3521, A replaced by G.
Protein change: p.Glu1174Gly; replaces glutamic acid 1174 with glycine.
Molecular consequence: missense variant.
Genome position (GRCh38, 1-based): chr3:101,229,492, T>C on the plus strand (A>G on the coding strand, the complement: IMPG2 is on the minus strand). VCF-style: chr3-101229492-T-C. GRCh37 (hg19) VCF-style: chr3-100948336-T-C.
Other names: short protein forms E1174G.
Identifiers: ClinVar variation 971724 (VCV000971724.9), dbSNP rs1450551237, ClinGen allele CA353847658.